The following is an entry in ClinVar:

NM_000222.3(KIT):c.2918A>G (p.His973Arg)

Gene: KIT (KIT proto-oncogene, receptor tyrosine kinase; plus strand). Cytogenetic location: 4q12.
Variant type: single nucleotide variant.
Coding change: c.2918A>G on transcript NM_000222.3 (MANE Select); coding-DNA position 2918, A replaced by G.
Protein change: p.His973Arg; replaces histidine 973 with arginine.
Molecular consequence: missense variant.
Genome position (GRCh38, 1-based): chr4:54,738,544, A>G. VCF-style: chr4-54738544-A-G. GRCh37 (hg19) VCF-style: chr4-55604710-A-G.
Other names: c.2906A>G, p.His969Arg (NM_001093772.2, NM_001385292.1); c.2921A>G, p.His974Arg (NM_001385284.1); c.2915A>G, p.His972Arg (NM_001385285.1); c.2903A>G, p.His968Arg (NM_001385286.1); c.2909A>G, p.His970Arg (NM_001385288.1); c.2918A>G, p.His973Arg (NM_001385290.1); short protein forms H968R, H969R, H970R, H972R, H973R, H974R.
Identifiers: ClinVar variation 3230680 (VCV003230680.1), dbSNP rs2109819517, ClinGen allele CA356916608.
Genomic context (GRCh38, chr4:54,738,544, plus strand): 5'-ATTCTGTGCGGATCAATTCTGTCGGCAGCACCGCTTCCTCCTCCCAGCCTCTGCTTGTGC[A>G]CGACGATGTCTGAGCAGAATCAGTGTTTGGGTCACCCCTCCAGGAATGATCTCTTCTTTT-3'
Protein context (NP_000213.1, residues 963-976): TASSSQPLLV[His973Arg]DDV

ClinVar aggregate classification (germline): Uncertain significance (1 of 4 stars; one submission).

Conditions:
Hereditary cancer-predisposing syndrome. Also called: Neoplastic Syndromes, Hereditary; Tumor predisposition; Hereditary neoplastic syndrome; Hereditary Cancer Syndrome. Identifiers: Orphanet 140162, MedGen C0027672, MeSH D009386, MONDO:0015356.

Submission:

Ambry Genetics
Classification: Uncertain significance for Hereditary cancer-predisposing syndrome. Last evaluated: 2023-11-11. Review status: criteria provided, single submitter. Criteria: Ambry Variant Classification Scheme 2023. Collection method: clinical testing. Allele origin: germline.
Comment: The p.H973R variant (also known as c.2918A>G), located in coding exon 21 of the KIT gene, results from an A to G substitution at nucleotide position 2918. The histidine at codon 973 is replaced by arginine, an amino acid with highly similar properties. This amino acid position is conserved. In addition, this alteration is predicted to be tolerated by in silico analysis. Since supporting evidence is limited at this time, the clinical significance of this alteration remains unclear.